The following is an entry in ClinVar:

ClinVar aggregate classification (germline): Uncertain significance (1 of 4 stars; one submission).

Conditions:
Hereditary cancer-predisposing syndrome. Also called: Neoplastic Syndromes, Hereditary; Tumor predisposition; Hereditary Cancer Syndrome; Hereditary neoplastic syndrome. Identifiers: Orphanet 140162, MedGen C0027672, MeSH D009386, MONDO:0015356.

Submission:

Ambry Genetics
Classification: Uncertain significance for Hereditary cancer-predisposing syndrome. Last evaluated: 2021-05-18. Review status: criteria provided, single submitter. Criteria: Ambry Variant Classification Scheme 2023. Collection method: clinical testing. Allele origin: germline.
Comment: The p.A638G variant (also known as c.1913C>G), located in coding exon 10 of the BARD1 gene, results from a C to G substitution at nucleotide position 1913. The alanine at codon 638 is replaced by glycine, an amino acid with similar properties. This amino acid position is well conserved in available vertebrate species. In addition, the in silico prediction for this alteration is inconclusive. Since supporting evidence is limited at this time, the clinical significance of this alteration remains unclear.

NM_000465.4(BARD1):c.1913C>G (p.Ala638Gly)

Gene: BARD1 (BRCA1 associated RING domain 1; minus strand). Cytogenetic location: 2q35.
Variant type: single nucleotide variant.
Coding change: c.1913C>G on transcript NM_000465.4 (MANE Select); coding-DNA position 1913, C replaced by G.
Protein change: p.Ala638Gly; replaces alanine 638 with glycine.
Molecular consequence: missense variant. On other transcripts: non-coding transcript variant (3).
Genome position (GRCh38, 1-based): chr2:214,730,499, G>C on the plus strand (C>G on the coding strand, the complement: BARD1 is on the minus strand). VCF-style: chr2-214730499-G-C. GRCh37 (hg19) VCF-style: chr2-215595223-G-C.
Other names: c.1856C>G, p.Ala619Gly (NM_001282543.2); c.560C>G, p.Ala187Gly (NM_001282545.2); c.503C>G, p.Ala168Gly (NM_001282548.2); c.374C>G, p.Ala125Gly (NM_001282549.2); short protein forms A125G, A168G, A187G, A638G, A619G.
Identifiers: ClinVar variation 1782531 (VCV001782531.2), dbSNP rs1559374246, ClinGen allele CA350451311.